The following is an entry in ClinVar:

NM_022041.4(GAN):c.167+221T>G

Genes: GAN (gigaxonin; plus strand), LOC130059499 (ATAC-STARR-seq lymphoblastoid silent region 7754; plus strand). Cytogenetic location: 16q23.2.
Variant type: single nucleotide variant.
Coding change: c.167+221T>G on transcript NM_022041.4 (MANE Select); 221 bases into the intron after coding-DNA position 167, T replaced by G.
Molecular consequence: intron variant.
Genome position (GRCh38, 1-based): chr16:81,315,501, T>G. VCF-style: chr16-81315501-T-G. GRCh37 (hg19) VCF-style: chr16-81349106-T-G.
Other names: c.-358+221T>G (NM_001377486.1).
Identifiers: ClinVar variation 680312 (VCV000680312.1), dbSNP rs62047162, ClinGen allele CA14253658.
Genomic context (GRCh38, chr16:81,315,501, plus strand): 5'-CGGCCCCGCTGACCGCGTCCCCCAGGCGGCCTCTGTGGCTTCCAGGCCCGCGCTCCCCAC[T>G]GGACCCCCGCGCCCCTTGGAGTTGTCCCCGGACCCGGGCCGCGATCCCCCGCCTTGTCCC-3'

ClinVar aggregate classification (germline): Benign (1 of 4 stars; one submission).

Allele frequency attached by ClinVar (database versions not stated): TOPMed 0.92532; 1000 Genomes Project 30x 0.92239; 1000 Genomes Project 0.92452; gnomAD 0.91614.
gnomAD v4.1: 139,973 of 151,988 alleles (92%); highest among the groups gnomAD compares: East Asian, 96%; 64,582 homozygotes.

Submission:

GeneDx
Classification: Benign. Last evaluated: 2018-06-14. Review status: criteria provided, single submitter. Criteria: GeneDx Variant Classification (06012015). Collection method: clinical testing. Allele origin: germline. Affected: yes.
Comment: This variant is considered likely benign or benign based on one or more of the following criteria: it is a conservative change, it occurs at a poorly conserved position in the protein, it is predicted to be benign by multiple in silico algorithms, and/or has population frequency not consistent with disease.